The following is an entry in ClinVar:

ClinVar aggregate classification (germline): Pathogenic. Review status: criteria provided, multiple submitters, no conflicts (2 of 4 stars). 7 submissions from 7 submitters: Pathogenic (7). Last evaluated 2025-01-06.

Conditions:
APC-related disorder. Also called: APC-related condition.
Hereditary cancer-predisposing syndrome. Also called: Tumor predisposition; Neoplastic Syndromes, Hereditary; Hereditary Cancer Syndrome; Hereditary neoplastic syndrome. Identifiers: Orphanet 140162, MedGen C0027672, MeSH D009386, MONDO:0015356.
Familial adenomatous polyposis 1 (FAP1). Also called: POLYPOSIS, ADENOMATOUS INTESTINAL; FAMILIAL ADENOMATOUS POLYPOSIS 1, ATTENUATED. Identifiers: MedGen C2713442, MONDO:0021056, OMIM 175100. Disease mechanism: loss of function.

Submissions (7):

Labcorp Genetics (formerly Invitae), Labcorp
Classification: Pathogenic for Familial adenomatous polyposis 1. Last evaluated: 2025-01-06. Review status: criteria provided, single submitter. Criteria: Invitae Variant Classification Sherloc (09022015). Collection method: clinical testing. Allele origin: germline.
Comment: This sequence change creates a premature translational stop signal (p.Gln663*) in the APC gene. While this is not anticipated to result in nonsense mediated decay, it is expected to disrupt the last 2181 amino acid(s) of the APC protein. This variant is not present in population databases (gnomAD no frequency). This premature translational stop signal has been observed in individual(s) with clinical history of colon and thyroid cancer and familial adenomatous polyposis (PMID: 15446460, 26681312). ClinVar contains an entry for this variant (Variation ID: 181792). Algorithms developed to predict the effect of sequence changes on RNA splicing suggest that this variant may disrupt the consensus splice site. This variant is expected to disrupt the EB1 and HDLG binding sites, which mediate interactions with the cytoskeleton (PMID: 15311282, 17293347). While functional studies have not been performed to directly test the effect on APC protein function, this suggests that disruption of the C-terminal portion of the protein is functionally important. A different truncation (p.Tyr2645Lysfs*14) that lies downstream of this variant has been determined to be pathogenic (PMID: 9824584, 1316610, 27081525, 8381579, 22135120, internal data). This suggests that deletion of this region of the APC protein is causative of disease. For these reasons, this variant has been classified as Pathogenic.

Ambry Genetics
Classification: Pathogenic for Hereditary cancer-predisposing syndrome. Last evaluated: 2024-08-07. Review status: criteria provided, single submitter. Criteria: Ambry Variant Classification Scheme 2023. Collection method: clinical testing. Allele origin: germline.
Comment: The p.Q663* pathogenic mutation (also known as c.1987C>T), located in coding exon 15 of the APC gene, results from a C to T substitution at nucleotide position 1987. This changes the amino acid from a glutamine to a stop codon within coding exon 15. This alteration occurs at the 3' terminus of theAPC gene, is not expected to trigger nonsense-mediated mRNA decay, and impacts the last 76.7% of the protein. However, premature stop codons are typically deleterious in nature, the impacted region is critical for protein function and a significant portion of the protein is affected (Ambry internal data). This variant was reported in multiple individuals with features consistent with APC-associated polyposis conditions (Susswein LR et al. Genet Med. 2016 Aug;18:823-32; Ambry internal data). This variant is considered to be rare based on population cohorts in the Genome Aggregation Database (gnomAD). Based on the supporting evidence, this variant is interpreted as a disease-causing mutation.

Color Diagnostics, LLC DBA Color Health
Classification: Pathogenic for Hereditary cancer-predisposing syndrome. Last evaluated: 2024-05-13. Review status: criteria provided, single submitter. Criteria: ACMG Guidelines, 2015. Collection method: clinical testing. Allele origin: germline.
Comment: This variant changes 1 nucleotide in exon 16 of the APC gene, creating a premature translation stop signal in the last coding exon. This variant is predicted to escape nonsense-mediated decay and be expressed as a truncated protein. Although functional studies have not been reported, this variant is expected to disrupt the armadillo region, beta-catenin binding domain, SAMP-repeats, basic domain, and the EB1 and HDLG binding domains (PMID: 11257105). To our knowledge, this variant has not been reported in individuals affected with APC-related disorders in the literature. This variant has not been identified in the general population by the Genome Aggregation Database (gnomAD). Loss of APC function is a known mechanism of disease. Based on the available evidence, this variant is classified as Pathogenic.

CeGaT Center for Human Genetics Tuebingen
Classification: Pathogenic. Last evaluated: 2023-10-01. Review status: criteria provided, single submitter. Criteria: CeGaT Center For Human Genetics Tuebingen Variant Classification Criteria Version 2. Collection method: clinical testing. Allele origin: germline. Affected: yes. Observed: 2 variant alleles.
Comment: APC: PVS1, PM2

Blueprint Genetics
Classification: Pathogenic for APC-related disorders. Last evaluated: 2023-09-05. Review status: criteria provided, single submitter. Criteria: ACMG Guidelines, 2015. Collection method: clinical testing. Allele origin: germline. Affected: yes. Observed: 1 variant allele.

Myriad Genetics, Inc.
Classification: Pathogenic for Familial adenomatous polyposis 1. Last evaluated: 2023-05-03. Review status: criteria provided, single submitter. Criteria: Myriad Autosomal Dominant, Autosomal Recessive and X-Linked Classification Criteria (2023). Collection method: clinical testing. Allele origin: unknown.
Comment: This variant is considered pathogenic. This variant creates a termination codon and is predicted to result in premature protein truncation.

GeneDx
Classification: Pathogenic. Last evaluated: 2014-07-08. Review status: criteria provided, single submitter. Criteria: GeneDx Variant Classification (06012015). Collection method: clinical testing. Allele origin: germline. Affected: yes.
Comment: This pathogenic variant is denoted APC c.1987C>T at the cDNA level and p.Gln663Ter (Q663X) at the protein level. The substitution creates a nonsense variant, which changes a Glutamine to a premature stop codon (CAA>TAA), and is predicted to cause loss of normal protein function through protein truncation. According to HGMD, This variant has been reported in a clinical FAP case (Konvalinka 2004) and is considered pathogenic.

Literature cited by the submitters: PubMed 15446460 (cited by Labcorp Genetics (formerly Invitae), Labcorp); PubMed 26681312 (cited by Labcorp Genetics (formerly Invitae), Labcorp and Ambry Genetics); PubMed 15311282 (cited by Labcorp Genetics (formerly Invitae), Labcorp); PubMed 17293347 (cited by Labcorp Genetics (formerly Invitae), Labcorp); PubMed 9824584 (cited by Labcorp Genetics (formerly Invitae), Labcorp); PubMed 1316610 (cited by Labcorp Genetics (formerly Invitae), Labcorp); PubMed 27081525 (cited by Labcorp Genetics (formerly Invitae), Labcorp); PubMed 8381579 (cited by Labcorp Genetics (formerly Invitae), Labcorp); PubMed 22135120 (cited by Labcorp Genetics (formerly Invitae), Labcorp); PubMed 11257105 (cited by Color Diagnostics, LLC DBA Color Health).

NM_000038.6(APC):c.1987C>T (p.Gln663Ter)

Gene: APC (APC regulator of Wnt signaling pathway; plus strand). Cytogenetic location: 5q22.2.
Variant type: single nucleotide variant.
Coding change: c.1987C>T on transcript NM_000038.6 (MANE Select); coding-DNA position 1987, C replaced by T.
Protein change: p.Gln663Ter; replaces glutamine 663 with a stop codon.
Molecular consequence: nonsense.
Genome position (GRCh38, 1-based): chr5:112,837,581, C>T. VCF-style: chr5-112837581-C-T. GRCh37 (hg19) VCF-style: chr5-112173278-C-T.
Other names: p.Q663*:CAA>TAA; c.1987C>T, p.Gln663Ter (NM_001127510.3, NM_001354895.2); c.1933C>T, p.Gln645Ter (NM_001127511.3); c.2041C>T, p.Gln681Ter (NM_001354896.2); c.2017C>T, p.Gln673Ter (NM_001354897.2); c.1912C>T, p.Gln638Ter (NM_001354898.2); c.1903C>T, p.Gln635Ter (NM_001354899.2); c.1864C>T, p.Gln622Ter (NM_001354900.2); and 6 more; short protein forms Q645*, Q663*, Q562*, Q380*, Q572*, Q638*, Q503*, Q622*.
Identifiers: ClinVar variation 181792 (VCV000181792.39), dbSNP rs730881240, ClinGen allele CA007124.